The following is an entry in ClinVar:

NM_000275.3(OCA2):c.685C>T (p.Gln229Ter)

Gene: OCA2 (OCA2 melanosomal transmembrane protein; minus strand). Cytogenetic location: 15q13.1.
Variant type: single nucleotide variant.
Coding change: c.685C>T on transcript NM_000275.3 (MANE Select); coding-DNA position 685, C replaced by T.
Protein change: p.Gln229Ter; replaces glutamine 229 with a stop codon.
Molecular consequence: nonsense.
Genome position (GRCh38, 1-based): chr15:28,018,519, G>A on the plus strand (C>T on the coding strand, the complement: OCA2 is on the minus strand). VCF-style: chr15-28018519-G-A. GRCh37 (hg19) VCF-style: chr15-28263665-G-A.
Other names: c.685C>T, p.Gln229Ter (NM_001300984.2); short protein forms Q229*.
Identifiers: ClinVar variation 5013949 (VCV005013949.1).
Genomic context (GRCh38, chr15:28,018,519, plus strand): 5'-GCTCTTCCCTCCCAGGACGACTCGGCCCACTGGCCACTAGGGCCCCTGCCAGGTCCACCT[G>A]CAGCAGCGTGGAGTCCACGTGGCTGCTAAGGTTCACGGCTCGGAGAGTGTCAAGGAGAAC-3'

ClinVar aggregate classification (germline): Pathogenic (1 of 4 stars; one submission).

Conditions:
Tyrosinase-positive oculocutaneous albinism (OCA2). Also called: ALBINISM II; Oculocutaneous albinism type 2; Albinism, oculocutaneous, type II. Identifiers: Orphanet 79432, MedGen C0268495, MONDO:0008746, OMIM 203200.

Submission:

Myriad Genetics, Inc.
Classification: Pathogenic for Tyrosinase-positive oculocutaneous albinism. Last evaluated: 2025-01-12. Review status: criteria provided, single submitter. Criteria: Myriad Autosomal Dominant, Autosomal Recessive and X-Linked Classification Criteria (2023). Collection method: clinical testing. Allele origin: unknown.
Comment: NM_000275.2(OCA2):c.685C>T(Q229*) is expected to be pathogenic in the context of oculocutaneous albinism, OCA2-related. This variant is predicted to lead to an abnormal or absent protein product due to the creation of a premature termination codon in OCA2, a gene where loss-of-function variants are known to be pathogenic. Please note: this variant was assessed in the context of healthy population screening.